The following is an entry in ClinVar:

NM_006254.4(PRKCD):c.1260+88T>C

Gene: PRKCD (protein kinase C delta; plus strand). Cytogenetic location: 3p21.1.
Variant type: single nucleotide variant.
Coding change: c.1260+88T>C on transcript NM_006254.4 (MANE Select); 88 bases into the intron after coding-DNA position 1260, T replaced by C.
Molecular consequence: intron variant.
Genome position (GRCh38, 1-based): chr3:53,186,428, T>C. VCF-style: chr3-53186428-T-C. GRCh37 (hg19) VCF-style: chr3-53220444-T-C.
Other names: c.1260+88T>C (NM_001354680.2, NM_001354679.2, NM_212539.2 and 1 more transcripts); c.1317+88T>C (NM_001354676.2); c.1308+88T>C (NM_001354678.2).
Identifiers: ClinVar variation 1294916 (VCV001294916.5), dbSNP rs6793352, ClinGen allele CA11581833.

ClinVar aggregate classification (germline): Benign. Review status: criteria provided, multiple submitters, no conflicts (2 of 4 stars). 3 submissions from 3 submitters: Benign (3). Last evaluated 2023-11-12.

Allele frequency attached by ClinVar (database versions not stated): TOPMed 0.94001; 1000 Genomes Project 30x 0.93785; 1000 Genomes Project 0.94050.
gnomAD v4.1: 1,534,177 of 1,549,798 alleles (99%); highest among the groups gnomAD compares: East Asian, 100%; 760,473 homozygotes.

Submissions (3):

Unidad de Genómica Garrahan, Hospital de Pediatría Garrahan
Classification: Benign. Last evaluated: 2023-11-12. Review status: criteria provided, single submitter. Criteria: ACMG Guidelines, 2015. Collection method: clinical testing. Allele origin: germline. Affected: no. Observed: 96 variant alleles.
Comment: This variant is classified as Benign based on local population frequency. This variant was detected in 100% of patients studied by a panel of primary immunodeficiencies. Number of patients: 96. Only high quality variants are reported.

GeneDx
Classification: Benign. Last evaluated: 2021-05-14. Review status: criteria provided, single submitter. Criteria: GeneDx Variant Classification Process June 2021. Collection method: clinical testing. Allele origin: germline. Affected: yes.

Breakthrough Genomics
Classification: Benign. Review status: criteria provided, single submitter. Criteria: ACMG Guidelines, 2015. Collection method: not provided. Allele origin: germline. Inheritance: Autosomal recessive inheritance. Affected: yes.